The following is an entry in ClinVar:

NM_004608.4(TBX6):c.431T>C (p.Ile144Thr)

Gene: TBX6 (T-box transcription factor 6; minus strand). Cytogenetic location: 16p11.2.
Variant type: single nucleotide variant.
Coding change: c.431T>C on transcript NM_004608.4 (MANE Select); coding-DNA position 431, T replaced by C.
Protein change: p.Ile144Thr; replaces isoleucine 144 with threonine.
Molecular consequence: missense variant.
Genome position (GRCh38, 1-based): chr16:30,089,133, A>G on the plus strand (T>C on the coding strand, the complement: TBX6 is on the minus strand). VCF-style: chr16-30089133-A-G. GRCh37 (hg19) VCF-style: chr16-30100454-A-G.
Other names: c.431T>C (NM_004608.3); short protein forms I144T.
Identifiers: ClinVar variation 2740198 (VCV002740198.4), dbSNP rs781256814, ClinGen allele CA8001921.

ClinVar aggregate classification (germline): Uncertain significance. Review status: criteria provided, multiple submitters, no conflicts (2 of 4 stars). 2 submissions from 2 submitters: Uncertain significance (2). Last evaluated 2025-01-09.

Conditions:
Inborn genetic diseases. Identifiers: MedGen C0950123, MeSH D030342.

Allele frequency attached by ClinVar (database versions not stated): ExAC 0.00001; gnomAD exomes 0.00002; gnomAD 0.00003.
gnomAD v4.1: 34 of 1,613,968 alleles (0.0021%); highest among the groups gnomAD compares: Admixed American, 0.005%; no homozygotes.

Submissions (2):

Ambry Genetics
Classification: Uncertain significance for Inborn genetic diseases. Last evaluated: 2025-01-09. Review status: criteria provided, single submitter. Criteria: Ambry Variant Classification Scheme 2023. Collection method: clinical testing. Allele origin: germline.

Labcorp Genetics (formerly Invitae), Labcorp
Classification: Uncertain significance. Last evaluated: 2024-08-05. Review status: criteria provided, single submitter. Criteria: Invitae Variant Classification Sherloc (09022015). Collection method: clinical testing. Allele origin: germline.
Comment: This sequence change replaces isoleucine, which is neutral and non-polar, with threonine, which is neutral and polar, at codon 144 of the TBX6 protein (p.Ile144Thr). This variant is present in population databases (rs781256814, gnomAD 0.005%). This variant has not been reported in the literature in individuals affected with TBX6-related conditions. Advanced modeling of protein sequence and biophysical properties (such as structural, functional, and spatial information, amino acid conservation, physicochemical variation, residue mobility, and thermodynamic stability) performed at Invitae indicates that this missense variant is not expected to disrupt TBX6 protein function with a negative predictive value of 80%. In summary, the available evidence is currently insufficient to determine the role of this variant in disease. Therefore, it has been classified as a Variant of Uncertain Significance.